The following is an entry in ClinVar:

NM_001289104.2(PRKCSH):c.1260C>T (p.Ser420=)

Gene: PRKCSH (PRKCSH beta subunit of glucosidase II; plus strand). Cytogenetic location: 19p13.2.
Variant type: single nucleotide variant.
Coding change: c.1260C>T on transcript NM_001289104.2 (MANE Select); coding-DNA position 1260, C replaced by T.
Protein change: p.Ser420=; no amino-acid change (serine 420 retained).
Molecular consequence: synonymous variant.
Genome position (GRCh38, 1-based): chr19:11,448,603, C>T. VCF-style: chr19-11448603-C-T. GRCh37 (hg19) VCF-style: chr19-11559418-C-T.
Other names: c.1230C>T, p.Ser410= (NM_001001329.3, NM_001289102.2, NM_001379609.1); c.1260C>T, p.Ser420= (NM_001289103.2); c.1239C>T, p.Ser413= (NM_001379608.1, NM_002743.3).
Identifiers: ClinVar variation 328192 (VCV000328192.16), dbSNP rs201787445, ClinGen allele CA9213220.

ClinVar aggregate classification (germline): Benign/Likely benign. Review status: criteria provided, multiple submitters, no conflicts (2 of 4 stars). 3 submissions from 3 submitters: Benign (1); Likely benign (2). Last evaluated 2025-08-01.

Conditions:
Polycystic liver disease 1 (PCLD1). Also called: Polycystic liver disease 1 with or without kidney cysts. Identifiers: Orphanet 2924, MedGen C0887850, MONDO:0008265, OMIM 174050.

Allele frequency attached by ClinVar (database versions not stated): ESP Exome Variant Server 0.00008; gnomAD exomes 0.00020 and 0.00040; TOPMed 0.00020; ExAC 0.00022; gnomAD 0.00022 and 0.00025.

Submissions (3):

CeGaT Center for Human Genetics Tuebingen
Classification: Likely benign. Last evaluated: 2025-08-01. Review status: criteria provided, single submitter. Criteria: CeGaT Center For Human Genetics Tuebingen Variant Classification Criteria Version 2. Collection method: clinical testing. Allele origin: germline. Affected: yes. Observed: 1 variant allele.
Comment: PRKCSH: BP4, BP7

Labcorp Genetics (formerly Invitae), Labcorp
Classification: Likely benign. Last evaluated: 2023-12-19. Review status: criteria provided, single submitter. Criteria: Invitae Variant Classification Sherloc (09022015). Collection method: clinical testing. Allele origin: germline.

Illumina Laboratory Services, Illumina
Classification: Benign for Polycystic liver disease 1. Last evaluated: 2018-01-13. Review status: criteria provided, single submitter. Criteria: ICSL Variant Classification Criteria 13 December 2019. Collection method: clinical testing. Allele origin: germline.
Comment: This variant was observed in the ICSL laboratory as part of a predisposition screen in an ostensibly healthy population. It had not been previously curated by ICSL or reported in the Human Gene Mutation Database (HGMD: prior to June 1st, 2018), and was therefore a candidate for classification through an automated scoring system. Utilizing variant allele frequency, disease prevalence and penetrance estimates, and inheritance mode, an automated score was calculated to assess if this variant is too frequent to cause the disease. Based on the score and internal cut-off values, a variant classified as benign is not then subjected to further curation. The score for this variant resulted in a classification of benign for this disease.